The following is an entry in ClinVar:

NM_170707.4(LMNA):c.711_729delinsCC (p.Glu238fs)

Gene: LMNA (lamin A/C; plus strand). Cytogenetic location: 1q22.
Variant type: Indel.
Coding change: c.711_729delinsCC on transcript NM_170707.4 (MANE Select); coding-DNA positions 711 to 729, TGAGAGCCGGCTGGCGGAT replaced by CC.
Protein change: p.Glu238fs; shifts the reading frame from glutamic acid 238.
Molecular consequence: frameshift variant.
Genome position (GRCh38, 1-based): chr1:156,134,876-156,134,894, TGAGAGCCGGCTGGCGGAT replaced by CC. VCF-style: chr1-156134876-TGAGAGCCGGCTGGCGGAT-CC. GRCh37 (hg19) VCF-style: chr1-156104667-TGAGAGCCGGCTGGCGGAT-CC.
Other names: c.711_729delinsCC (NM_170707.2); c.375_393delinsCC, p.Glu126fs (NM_001257374.3); c.468_486delinsCC, p.Glu157fs (NM_001282624.2); c.711_729delinsCC, p.Glu238fs (NM_001282625.2, NM_001282626.2, NM_005572.4 and 1 more transcripts); short protein forms E238fs, E126fs, E157fs.
Identifiers: ClinVar variation 691647 (VCV000691647.10), dbSNP rs1572359848, ClinGen allele CA915941457.

ClinVar aggregate classification (germline): Pathogenic. Review status: criteria provided, multiple submitters, no conflicts (2 of 4 stars). 5 submissions from 5 submitters: Pathogenic (5). Last evaluated 2025-06-10.

Conditions:
Cardiovascular phenotype. Identifiers: MedGen CN230736.
Primary familial dilated cardiomyopathy (FDC). Also called: Hypokinetic dilated cardiomyopathy, familial; Familial dilated cardiomyopathy. Identifiers: Orphanet 217607, MedGen C0340427, MONDO:0016333.
Charcot-Marie-Tooth disease type 2. Also called: Charcot-Marie-Tooth type 2. Identifiers: Orphanet 64746, MedGen C0270914, MONDO:0018993.
Primary dilated cardiomyopathy (DCM). Also called: Dilated Cardiomyopathy. Identifiers: Orphanet 217604, MedGen C0007193, MeSH D002311, MONDO:0005021, HP:0001644. Inheritance: Various modes of inheritance.

Submissions (5):

GeneDx
Classification: Pathogenic. Last evaluated: 2025-06-10. Review status: criteria provided, single submitter. Criteria: GeneDx Variant Classification Process June 2021. Collection method: clinical testing. Allele origin: germline. Affected: yes.
Comment: Has not been previously published as pathogenic or benign to our knowledge; Not observed at significant frequency in large population cohorts (gnomAD); Frameshift variant predicted to result in protein truncation or nonsense mediated decay in a gene for which loss of function is a known mechanism of disease

Women's Health and Genetics/Laboratory Corporation of America, LabCorp
Classification: Pathogenic for Primary familial dilated cardiomyopathy. Last evaluated: 2025-03-28. Review status: criteria provided, single submitter. Criteria: LabCorp Variant Classification Summary - May 2015. Collection method: clinical testing. Allele origin: germline.
Comment: Variant summary: LMNA c.711_729delinsCC (p.Glu238ArgfsX10) results in a premature termination codon, predicted to cause a truncation of the encoded protein or absence of the protein due to nonsense mediated decay, which are commonly known mechanisms for disease. The variant was absent in 251462 control chromosomes. To our knowledge, no occurrence of c.711_729delinsCC in individuals affected with Dilated Cardiomyopathy and no experimental evidence demonstrating its impact on protein function have been reported. ClinVar contains an entry for this variant (Variation ID: 691647). Based on the evidence outlined above, the variant was classified as pathogenic.

Ambry Genetics
Classification: Pathogenic for Cardiovascular phenotype. Last evaluated: 2022-08-11. Review status: criteria provided, single submitter. Criteria: Ambry Variant Classification Scheme 2023. Collection method: clinical testing. Allele origin: germline.
Comment: The c.711_729del19insCC pathogenic mutation, located in coding exon 4 of the LMNA gene, results from the deletion of 19 nucleotides and insertion of two nucleotides causing a translational frameshift with a predicted alternate stop codon (p.E238Rfs*10). This variant is considered to be rare based on population cohorts in the Genome Aggregation Database (gnomAD). This alteration is expected to result in loss of function by premature protein truncation or nonsense-mediated mRNA decay. As such, this alteration is interpreted as a disease-causing mutation.

Labcorp Genetics (formerly Invitae), Labcorp
Classification: Pathogenic for Charcot-Marie-Tooth disease type 2. Last evaluated: 2021-12-15. Review status: criteria provided, single submitter. Criteria: Invitae Variant Classification Sherloc (09022015). Collection method: clinical testing. Allele origin: germline.
Comment: For these reasons, this variant has been classified as Pathogenic. This variant has not been reported in the literature in individuals affected with LMNA-related conditions. This variant is not present in population databases (gnomAD no frequency). This sequence change creates a premature translational stop signal (p.Glu238Argfs*10) in the LMNA gene. It is expected to result in an absent or disrupted protein product. Loss-of-function variants in LMNA are known to be pathogenic (PMID: 18585512, 18926329).

Center for Advanced Laboratory Medicine, UC San Diego Health, University of California San Diego
Classification: Pathogenic for Dilated cardiomyopathy. Last evaluated: 2019-05-28. Review status: criteria provided, single submitter. Criteria: ACMG Guidelines, 2015. Collection method: clinical testing. Allele origin: germline. Affected: yes. Observed: 1 variant allele.

Literature cited by the submitters: PubMed 18585512 (cited by Labcorp Genetics (formerly Invitae), Labcorp); PubMed 18926329 (cited by Labcorp Genetics (formerly Invitae), Labcorp).